The following is an entry in ClinVar:

NM_001083614.2(EARS2):c.289T>C (p.Trp97Arg)

Gene: EARS2 (glutamyl-tRNA synthetase 2, mitochondrial; minus strand). Cytogenetic location: 16p12.2.
Variant type: single nucleotide variant.
Coding change: c.289T>C on transcript NM_001083614.2 (MANE Select); coding-DNA position 289, T replaced by C.
Protein change: p.Trp97Arg; replaces tryptophan 97 with arginine.
Molecular consequence: missense variant. On other transcripts: non-coding transcript variant (1).
Genome position (GRCh38, 1-based): chr16:23,552,155, A>G on the plus strand (T>C on the coding strand, the complement: EARS2 is on the minus strand). VCF-style: chr16-23552155-A-G. GRCh37 (hg19) VCF-style: chr16-23563476-A-G.
Other names: c.289T>C, p.Trp97Arg (NM_001308211.1); short protein forms W97R.
Identifiers: ClinVar variation 4537888 (VCV004537888.2).

ClinVar aggregate classification (germline): Uncertain significance. Review status: criteria provided, multiple submitters, no conflicts (2 of 4 stars). 2 submissions from 2 submitters: Uncertain significance (2). Last evaluated 2025-06-12.

gnomAD v4.1: 1 of 1,613,376 alleles (0.000062%); no homozygotes.

Submissions (2):

GeneDx
Classification: Uncertain significance. Last evaluated: 2025-06-12. Review status: criteria provided, single submitter. Criteria: GeneDx Variant Classification Process June 2021. Collection method: clinical testing. Allele origin: germline. Affected: yes.
Comment: Not observed at significant frequency in large population cohorts (gnomAD); In silico analysis supports that this missense variant has a deleterious effect on protein structure/function; Has not been previously published as pathogenic or benign to our knowledge

Blueprint Genetics
Classification: Uncertain significance. Last evaluated: 2022-11-10. Review status: criteria provided, single submitter. Criteria: ACMG Guidelines, 2015. Collection method: clinical testing. Allele origin: germline.